The following is an entry in ClinVar:

ClinVar aggregate classification (germline): Uncertain significance (1 of 4 stars; one submission).

Submission:

Labcorp Genetics (formerly Invitae), Labcorp
Classification: Uncertain significance. Last evaluated: 2024-02-20. Review status: criteria provided, single submitter. Criteria: Invitae Variant Classification Sherloc (09022015). Collection method: clinical testing. Allele origin: germline.
Comment: This sequence change replaces arginine, which is basic and polar, with serine, which is neutral and polar, at codon 412 of the ATP8B1 protein (p.Arg412Ser). This variant is not present in population databases (gnomAD no frequency). This missense change has been observed in individual(s) with clinical features of ATP8B-related conditions (Invitae). In at least one individual the data is consistent with being in trans (on the opposite chromosome) from a pathogenic variant. Advanced modeling of protein sequence and biophysical properties (such as structural, functional, and spatial information, amino acid conservation, physicochemical variation, residue mobility, and thermodynamic stability) performed at Invitae indicates that this missense variant is expected to disrupt ATP8B1 protein function with a positive predictive value of 80%. This variant disrupts the p.Arg412 amino acid residue in ATP8B1. Other variant(s) that disrupt this residue have been observed in individuals with ATP8B1-related conditions (PMID: 12149765, 15239083, 33915153), which suggests that this may be a clinically significant amino acid residue. In summary, the available evidence is currently insufficient to determine the role of this variant in disease. Therefore, it has been classified as a Variant of Uncertain Significance.

Literature cited by the submitters: PubMed 12149765; PubMed 15239083; PubMed 33915153.

NM_001374385.1(ATP8B1):c.1234C>A (p.Arg412Ser)

Gene: ATP8B1 (ATPase phospholipid transporting 8B1; minus strand). Cytogenetic location: 18q21.31.
Variant type: single nucleotide variant.
Coding change: c.1234C>A on transcript NM_001374385.1 (MANE Select); coding-DNA position 1234, C replaced by A.
Protein change: p.Arg412Ser; replaces arginine 412 with serine.
Molecular consequence: missense variant.
Genome position (GRCh38, 1-based): chr18:57,688,494, G>T on the plus strand (C>A on the coding strand, the complement: ATP8B1 is on the minus strand). VCF-style: chr18-57688494-G-T. GRCh37 (hg19) VCF-style: chr18-55355726-G-T.
Other names: c.1084C>A, p.Arg362Ser (NM_001374386.1); c.1234C>A, p.Arg412Ser (NM_005603.6); short protein forms R362S, R412S.
Identifiers: ClinVar variation 2798783 (VCV002798783.3), dbSNP rs760934663, ClinGen allele CA402538198.